The following is an entry in ClinVar:

ClinVar aggregate classification (germline): Conflicting classifications of pathogenicity. Review status: criteria provided, conflicting classifications (1 of 4 stars). 2 submissions from 2 submitters: Uncertain significance (1); Likely benign (1). Last evaluated 2026-10-09.

Conditions:
Inborn genetic diseases. Identifiers: MedGen C0950123, MeSH D030342.

gnomAD v4.1: 78 of 1,598,112 alleles (0.0049%); highest among the groups gnomAD compares: Non-Finnish European, 0.0065%; no homozygotes.

Submissions (2):

GeneDx
Classification: Uncertain significance. Last evaluated: 2026-10-09. Review status: criteria provided, single submitter. Criteria: GeneDx Variant Classification Process June 2021. Collection method: clinical testing. Allele origin: germline.
Comment: Not observed at significant frequency in large population cohorts (gnomAD); In silico analysis indicates that this missense variant does not alter protein structure/function; Has not been previously published as pathogenic or benign to our knowledge

Ambry Genetics
Classification: Likely benign for Inborn genetic diseases. Last evaluated: 2025-12-15. Review status: criteria provided, single submitter. Criteria: Ambry Variant Classification Scheme 2023. Collection method: clinical testing. Allele origin: germline.

NM_000521.4(HEXB):c.1085A>C (p.Glu362Ala)

Gene: HEXB (hexosaminidase subunit beta; plus strand). Cytogenetic location: 5q13.3.
Variant type: single nucleotide variant.
Coding change: c.1085A>C on transcript NM_000521.4 (MANE Select); coding-DNA position 1085, A replaced by C.
Protein change: p.Glu362Ala; replaces glutamic acid 362 with alanine.
Molecular consequence: missense variant.
Genome position (GRCh38, 1-based): chr5:74,716,589, A>C. VCF-style: chr5-74716589-A-C. GRCh37 (hg19) VCF-style: chr5-74012414-A-C.
Other names: c.410A>C, p.Glu137Ala (NM_001292004.2); short protein forms E137A, E362A.
Identifiers: ClinVar variation 3774869 (VCV003774869.3).